The following is an entry in ClinVar:

NM_001376.5(DYNC1H1):c.3861T>C (p.Phe1287=)

Gene: DYNC1H1 (dynein cytoplasmic 1 heavy chain 1; plus strand). Cytogenetic location: 14q32.31.
Variant type: single nucleotide variant.
Coding change: c.3861T>C on transcript NM_001376.5 (MANE Select); coding-DNA position 3861, T replaced by C.
Protein change: p.Phe1287=; no amino-acid change (phenylalanine 1287 retained).
Molecular consequence: synonymous variant.
Genome position (GRCh38, 1-based): chr14:102,000,045, T>C. VCF-style: chr14-102000045-T-C. GRCh37 (hg19) VCF-style: chr14-102466382-T-C.
Identifiers: ClinVar variation 2200501 (VCV002200501.5), dbSNP rs770884515, ClinGen allele CA7352113.
Genomic context (GRCh38, chr14:102,000,045, plus strand): 5'-TCAGGGCAACCTTCGCCCAGAAGAGGCACTTCAGGCTCTCACCATATATGAGGGGAAGTT[T>C]GGTAGGCTGAAGGACGACAGAGAGAAGTGTGCAAAGGCCAAGGAGGCGCTGGAATTGACA-3'
Protein context (NP_001367.2, residues 1277-1297): LQALTIYEGK[Phe1287=]GRLKDDREKC

ClinVar aggregate classification (germline): Likely benign. Review status: criteria provided, multiple submitters, no conflicts (2 of 4 stars). 2 submissions from 2 submitters: Likely benign (2). Last evaluated 2025-05-29.

Conditions:
DYNC1H1-related disorder. Also called: DYNC1H1-related condition; DYNC1H1-related disorders. Identifiers: MedGen CN381529.
Charcot-Marie-Tooth disease axonal type 2O. Also called: Charcot-Marie-Tooth disease, axonal, type 20; CHARCOT-MARIE-TOOTH NEUROPATHY, AXONAL, TYPE 2O; CHARCOT-MARIE-TOOTH DISEASE, AXONAL, AUTOSOMAL DOMINANT, TYPE 2O; Charcot-Marie-Tooth Neuropathy Type 2O. Identifiers: Orphanet 284232, MedGen C3280220, MONDO:0013644, OMIM 614228.

Allele frequency attached by ClinVar (database versions not stated): gnomAD exomes below 0.00001; ExAC 0.00001.
gnomAD v4.1: 3 of 1,614,170 alleles (0.00019%); highest among the groups gnomAD compares: Non-Finnish European, 0.00017%; no homozygotes.

Submissions (2):

PreventionGenetics, part of Exact Sciences
Classification: Likely benign for DYNC1H1-related condition. Last evaluated: 2025-05-29. Review status: criteria provided, single submitter. Criteria: ACMG Guidelines, 2015. Collection method: clinical testing. Allele origin: germline.
Comment: This variant is classified as likely benign based on ACMG/AMP sequence variant interpretation guidelines (Richards et al. 2015 PMID: 25741868, with internal and published modifications).

Labcorp Genetics (formerly Invitae), Labcorp
Classification: Likely benign for Charcot-Marie-Tooth disease axonal type 2O. Last evaluated: 2025-02-26. Review status: criteria provided, single submitter. Criteria: Invitae Variant Classification Sherloc (09022015). Collection method: clinical testing. Allele origin: germline.